The following is an entry in ClinVar:

ClinVar aggregate classification (germline): Uncertain significance. Review status: criteria provided, multiple submitters, no conflicts (2 of 4 stars). 2 submissions from 2 submitters: Uncertain significance (2). Last evaluated 2025-02-02.

Allele frequency attached by ClinVar (database versions not stated): gnomAD exomes below 0.00001; gnomAD 0.00001; TOPMed 0.00001; ExAC 0.00003.
gnomAD v4.1: 7 of 1,614,034 alleles (0.00043%); highest among the groups gnomAD compares: East Asian, 0.016%; no homozygotes.

Submissions (2):

Labcorp Genetics (formerly Invitae), Labcorp
Classification: Uncertain significance. Last evaluated: 2025-02-02. Review status: criteria provided, single submitter. Criteria: Invitae Variant Classification Sherloc (09022015). Collection method: clinical testing. Allele origin: germline.
Comment: This sequence change replaces alanine, which is neutral and non-polar, with valine, which is neutral and non-polar, at codon 295 of the ZHX3 protein (p.Ala295Val). The frequency data for this variant in the population databases is considered unreliable, as metrics indicate poor data quality at this position in the gnomAD database. This variant has not been reported in the literature in individuals affected with ZHX3-related conditions. ClinVar contains an entry for this variant (Variation ID: 2530915). An algorithm developed to predict the effect of missense changes on protein structure and function (PolyPhen-2) suggests that this variant is likely to be tolerated. In summary, the available evidence is currently insufficient to determine the role of this variant in disease. Therefore, it has been classified as a Variant of Uncertain Significance.

Ambry Genetics
Classification: Uncertain significance. Last evaluated: 2023-03-29. Review status: criteria provided, single submitter. Criteria: Ambry Variant Classification Scheme 2023. Collection method: clinical testing. Allele origin: germline.

NM_001384317.1(ZHX3):c.884C>T (p.Ala295Val)

Gene: ZHX3 (zinc fingers and homeoboxes 3; minus strand). Cytogenetic location: 20q12.
Variant type: single nucleotide variant.
Coding change: c.884C>T on transcript NM_001384317.1 (MANE Select); coding-DNA position 884, C replaced by T.
Protein change: p.Ala295Val; replaces alanine 295 with valine.
Molecular consequence: missense variant.
Genome position (GRCh38, 1-based): chr20:41,204,033, G>A on the plus strand (C>T on the coding strand, the complement: ZHX3 is on the minus strand). VCF-style: chr20-41204033-G-A. GRCh37 (hg19) VCF-style: chr20-39832673-G-A.
Other names: c.884C>T, p.Ala295Val (NM_001384315.1, NM_001384316.1, NM_001384318.1 and 8 more transcripts); short protein forms A295V.
Identifiers: ClinVar variation 2530915 (VCV002530915.5), dbSNP rs759027745, ClinGen allele CA9860034.